The following is an entry in ClinVar:

NM_000535.7(PMS2):c.2191T>G (p.Leu731Val)

Gene: PMS2 (PMS1 homolog 2, mismatch repair system component; minus strand). Cytogenetic location: 7p22.1.
Variant type: single nucleotide variant.
Coding change: c.2191T>G on transcript NM_000535.7 (MANE Select); coding-DNA position 2191, T replaced by G.
Protein change: p.Leu731Val; replaces leucine 731 with valine.
Molecular consequence: missense variant. On other transcripts: non-coding transcript variant (1).
Genome position (GRCh38, 1-based): chr7:5,978,680, A>C on the plus strand (T>G on the coding strand, the complement: PMS2 is on the minus strand). VCF-style: chr7-5978680-A-C. GRCh37 (hg19) VCF-style: chr7-6018311-A-C.
Other names: c.1786T>G, p.Leu596Val (NM_001018040.1, NM_001322003.2, NM_001322004.2 and 15 more transcripts); c.2035T>G, p.Leu679Val (NM_001322006.2, NM_001406870.1); c.1873T>G, p.Leu625Val (NM_001322007.2, NM_001322008.2, NM_001406876.1 and 1 more transcripts); c.1630T>G, p.Leu544Val (NM_001322010.2, NM_001406906.1, NM_001406907.1); c.1258T>G, p.Leu420Val (NM_001322011.2, NM_001322012.2); c.1618T>G, p.Leu540Val (NM_001322013.2, NM_001406908.1, NM_001406909.1); c.2191T>G, p.Leu731Val (NM_001322014.2); c.1882T>G, p.Leu628Val (NM_001322015.2, NM_001406875.1, NM_001406877.1 and 5 more transcripts); and 14 more; short protein forms L420V, L679V, L731V, L793V, L544V, L569V, L573V, L576V.
Identifiers: ClinVar variation 1787433 (VCV001787433.2), dbSNP rs553141434, ClinGen allele CA366736901.

ClinVar aggregate classification (germline): Uncertain significance (1 of 4 stars; one submission).

Conditions:
Hereditary cancer-predisposing syndrome. Also called: Neoplastic Syndromes, Hereditary; Tumor predisposition; Hereditary Cancer Syndrome; Hereditary neoplastic syndrome. Identifiers: Orphanet 140162, MedGen C0027672, MeSH D009386, MONDO:0015356.

Submission:

Ambry Genetics
Classification: Uncertain significance for Hereditary cancer-predisposing syndrome. Last evaluated: 2018-05-01. Review status: criteria provided, single submitter. Criteria: Ambry Variant Classification Scheme 2023. Collection method: clinical testing. Allele origin: germline.
Comment: The p.L731V variant (also known as c.2191T>G), located in coding exon 13 of the PMS2 gene, results from a T to G substitution at nucleotide position 2191. The leucine at codon 731 is replaced by valine, an amino acid with highly similar properties. This amino acid position is highly conserved in available vertebrate species. In addition, the in silico prediction for this alteration is inconclusive. Since supporting evidence is limited at this time, the clinical significance of this alteration remains unclear.